The following is an entry in ClinVar:

ClinVar aggregate classification (germline): Likely benign (1 of 4 stars; one submission).

Submission:

CeGaT Center for Human Genetics Tuebingen
Classification: Likely benign. Last evaluated: 2024-04-01. Review status: criteria provided, single submitter. Criteria: CeGaT Center For Human Genetics Tuebingen Variant Classification Criteria Version 2. Collection method: clinical testing. Allele origin: germline. Affected: yes. Observed: 1 variant allele.
Comment: GGT1: BP4, BP7

NM_001288833.2(GGT1):c.1062C>T (p.Leu354=)

Gene: GGT1 (gamma-glutamyltransferase 1; plus strand). Cytogenetic location: 22q11.23.
Variant type: single nucleotide variant.
Coding change: c.1062C>T on transcript NM_001288833.2 (MANE Select); coding-DNA position 1062, C replaced by T.
Protein change: p.Leu354=; no amino-acid change (leucine 354 retained).
Molecular consequence: synonymous variant.
Genome position (GRCh38, 1-based): chr22:24,627,473, C>T. VCF-style: chr22-24627473-C-T. GRCh37 (hg19) VCF-style: chr22-25023440-C-T.
Other names: c.1062C>T, p.Leu354= (NM_013421.3, NM_013430.3).
Identifiers: ClinVar variation 3234432 (VCV003234432.20), dbSNP rs1206919108, ClinGen allele CA513852212.